The following is an entry in ClinVar:

NM_001849.4(COL6A2):c.1053+1G>C

Gene: COL6A2 (collagen type VI alpha 2 chain; plus strand). Cytogenetic location: 21q22.3.
Variant type: single nucleotide variant.
Coding change: c.1053+1G>C on transcript NM_001849.4 (MANE Select); the canonical splice donor site of the intron after coding-DNA position 1053, G replaced by C.
Molecular consequence: splice donor variant.
Genome position (GRCh38, 1-based): chr21:46,117,454, G>C. VCF-style: chr21-46117454-G-C. GRCh37 (hg19) VCF-style: chr21-47537368-G-C.
Other names: c.1053+1G>C (NM_058175.3, NM_058174.3).
Identifiers: ClinVar variation 498571 (VCV000498571.8), dbSNP rs886043187, ClinGen allele CA410527404.
Genomic context (GRCh38, chr21:46,117,454, plus strand): 5'-CTTCAGGGCAAGCTGGGGCGCATCGGACCTCCTGGCTGCAAGGGAGACCCTGGAAACCGG[G>C]TAAGGGCCGTTTGCACCCCTCCTTCAGCCTCGGCCCAGGGGGTGTGGGTGCCTGACCGGG-3'

ClinVar aggregate classification (germline): Pathogenic/Likely pathogenic. Review status: criteria provided, multiple submitters, no conflicts (2 of 4 stars). 3 submissions from 3 submitters: Pathogenic (2); Likely pathogenic (1). Last evaluated 2025-11-03.

Conditions:
Collagen 6-related myopathy. Identifiers: MedGen CN117976, MONDO:0100225.
Bethlem myopathy 1A. Also called: Bethlem Muscular Dystrophy; MYOPATHY, BENIGN CONGENITAL, WITH CONTRACTURES; Bethlem myopathy 1. Identifiers: Orphanet 610, MedGen CN029274, MONDO:0024530, OMIM 158810.

Submissions (3):

Labcorp Genetics (formerly Invitae), Labcorp
Classification: Pathogenic for Bethlem myopathy 1A. Last evaluated: 2025-11-03. Review status: criteria provided, single submitter. Criteria: Invitae Variant Classification Sherloc (09022015). Collection method: clinical testing. Allele origin: germline.
Comment: This sequence change affects a donor splice site in intron 11 of the COL6A2 gene. It is expected to disrupt RNA splicing. Variants that disrupt the donor or acceptor splice site typically lead to a loss of protein function (PMID: 16199547), and loss-of-function variants in COL6A2 are known to be pathogenic (PMID: 19884007, 20976770). This variant is not present in population databases (gnomAD no frequency). Disruption of this splice site has been observed in individuals with clinical features of autosomal dominant COL6A2-related conditions (PMID: 18378883, 24271325). ClinVar contains an entry for this variant (Variation ID: 498571). Algorithms developed to predict the effect of sequence changes on RNA splicing suggest that this variant may disrupt the consensus splice site. For these reasons, this variant has been classified as Pathogenic.

Women's Health and Genetics/Laboratory Corporation of America, LabCorp
Classification: Likely pathogenic for Collagen 6-related myopathy. Last evaluated: 2022-05-12. Review status: criteria provided, single submitter. Criteria: LabCorp Variant Classification Summary - May 2015. Collection method: clinical testing. Allele origin: germline.
Comment: Variant summary: COL6A2 c.1053+1G>C is located in a canonical splice-site and is predicted to affect mRNA splicing resulting in a significantly altered protein due to either exon skipping, shortening, or inclusion of intronic material. Several computational tools predict a significant impact on normal splicing: Four predict the variant abolishes a 5' splicing donor site. However, these predictions have yet to be confirmed by functional studies. The variant was absent in 249216 control chromosomes. To our knowledge, no occurrence of c.1053+1G>C in individuals affected with Collagen Type VI-Related Disorders and no experimental evidence demonstrating its impact on protein function have been reported. Other variants at the same nucleotide have been reported in HGMD in association with Bethlem myopathy. One clinical diagnostic laboratory has submitted clinical-significance assessments for this variant to ClinVar after 2014 without evidence for independent evaluation. One laboratory classified the variant as pathogenic. Based on the evidence outlined above, the variant was classified as likely pathogenic.

Eurofins Ntd Llc (ga)
Classification: Pathogenic. Last evaluated: 2016-12-03. Review status: criteria provided, single submitter. Criteria: EGL Classification Definitions 2015. Collection method: clinical testing. Allele origin: germline. Observed: 1 variant allele, 1 heterozygote.

Literature cited by the submitters: PubMed 16199547 (cited by Labcorp Genetics (formerly Invitae), Labcorp); PubMed 19884007 (cited by Labcorp Genetics (formerly Invitae), Labcorp); PubMed 20976770 (cited by Labcorp Genetics (formerly Invitae), Labcorp); PubMed 18378883 (cited by Labcorp Genetics (formerly Invitae), Labcorp and Eurofins Ntd Llc (ga)); PubMed 24271325 (cited by Labcorp Genetics (formerly Invitae), Labcorp and Eurofins Ntd Llc (ga)).